The following is an entry in ClinVar:

ClinVar aggregate classification (germline): Uncertain significance (1 of 4 stars; one submission).

Conditions:
MHC class II deficiency. Also called: Bare lymphocyte syndrome 2; BLS, TYPE II. Identifiers: Orphanet 572, MedGen C5447452, MONDO:0008855.

Allele frequency attached by ClinVar (database versions not stated): gnomAD exomes 0.00001.
gnomAD v4.1: 7 of 1,614,230 alleles (0.00043%); highest among the groups gnomAD compares: Non-Finnish European, 0.00059%; no homozygotes.

Submission:

Labcorp Genetics (formerly Invitae), Labcorp
Classification: Uncertain significance for MHC class II deficiency. Last evaluated: 2022-06-27. Review status: criteria provided, single submitter. Criteria: Invitae Variant Classification Sherloc (09022015). Collection method: clinical testing. Allele origin: germline.
Comment: This sequence change replaces phenylalanine, which is neutral and non-polar, with leucine, which is neutral and non-polar, at codon 229 of the CIITA protein (p.Phe229Leu). This variant is not present in population databases (gnomAD no frequency). This variant has not been reported in the literature in individuals affected with CIITA-related conditions. Algorithms developed to predict the effect of missense changes on protein structure and function output the following: SIFT: "Tolerated"; PolyPhen-2: "Benign"; Align-GVGD: "Class C0". The leucine amino acid residue is found in multiple mammalian species, which suggests that this missense change does not adversely affect protein function. In summary, the available evidence is currently insufficient to determine the role of this variant in disease. Therefore, it has been classified as a Variant of Uncertain Significance.

NM_000246.4(CIITA):c.685T>C (p.Phe229Leu)

Gene: CIITA (class II major histocompatibility complex transactivator; plus strand). Cytogenetic location: 16p13.13.
Variant type: single nucleotide variant.
Coding change: c.685T>C on transcript NM_000246.4 (MANE Select); coding-DNA position 685, T replaced by C.
Protein change: p.Phe229Leu; replaces phenylalanine 229 with leucine.
Molecular consequence: missense variant. On other transcripts: non-coding transcript variant (1).
Genome position (GRCh38, 1-based): chr16:10,902,714, T>C. VCF-style: chr16-10902714-T-C. GRCh37 (hg19) VCF-style: chr16-10996571-T-C.
Other names: c.688T>C, p.Phe230Leu (NM_001286402.1, NM_001379332.1); c.538T>C, p.Phe180Leu (NM_001286403.2, NM_001379331.1); c.541T>C, p.Phe181Leu (NM_001379330.1); c.685T>C, p.Phe229Leu (NM_001379333.1); c.616T>C, p.Phe206Leu (NM_001379334.1); short protein forms F206L, F180L, F229L, F181L, F230L.
Identifiers: ClinVar variation 1986780 (VCV001986780.1), dbSNP rs2544413374, ClinGen allele CA394728632.
Genomic context (GRCh38, chr16:10,902,714, plus strand): 5'-GCAGTGCCTTTCTCCAGTTCCTCGTTGAGCTGCCTGAATCTCCCTGAGGGACCCATCCAG[T>C]TTGTCCCCACCATCTCCACTCTGCCCCATGGGCTCTGGCAAATCTCTGAGGCTGGAACAG-3'
Protein context (NP_000237.2, residues 219-239): CLNLPEGPIQ[Phe229Leu]VPTISTLPHG